The following is an entry in ClinVar:

NC_000013.10:g.(?_32936534)_(32937690_?)dup

Gene: BRCA2 (BRCA2 DNA repair associated; plus strand). Cytogenetic location: 13q13.1.
Variant type: Duplication.
Identifiers: ClinVar variation 3244176 (VCV003244176.1).

ClinVar aggregate classification (germline): Likely pathogenic (1 of 4 stars; one submission).

Conditions:
Hereditary breast ovarian cancer syndrome. Also called: Hereditary breast and ovarian cancer syndrome; Hereditary breast and ovarian cancer; Hereditary breast and ovarian cancer syndrome (HBOC); Breast and ovarian cancer; Hereditary breast and/or ovarian cancer syndrome; BRCA1- and BRCA2-Associated Hereditary Breast and Ovarian Cancer. Identifiers: Orphanet 145, MedGen C0677776, MeSH D061325, MONDO:0003582. Disease mechanism: loss of function.

Submission:

Labcorp Genetics (formerly Invitae), Labcorp
Classification: Likely pathogenic for Hereditary breast ovarian cancer syndrome. Last evaluated: 2023-05-15. Review status: criteria provided, single submitter. Criteria: Invitae Variant Classification Sherloc (09022015). Collection method: clinical testing. Allele origin: unknown.
Comment: In summary, the currently available evidence indicates that the variant is pathogenic, but additional data are needed to prove that conclusively. Therefore, this variant has been classified as Likely Pathogenic. A similar copy number variant has been observed in individual(s) with breast and/or ovarian cancer (PMID: 32971473, 33011440). This variant results in a copy number gain of the genomic region encompassing exon(s) 17-18 of the BRCA2 gene. While the exact position of this variant cannot be determined from the data, sub-genic copy number gains are generally in tandem (PMID: 25640679). This variant is predicted to be out-of-frame, and may result in an absent or disrupted protein product. Loss-of-function variants in BRCA2 are known to be pathogenic (PMID: 20104584).

Literature cited by the submitters: PubMed 32971473; PubMed 33011440; PubMed 25640679; PubMed 20104584.